The following is an entry in ClinVar:

ClinVar aggregate classification (germline): Uncertain significance (1 of 4 stars; one submission).

Conditions:
Hereditary cancer-predisposing syndrome. Also called: Neoplastic Syndromes, Hereditary; Tumor predisposition; Hereditary Cancer Syndrome; Hereditary neoplastic syndrome. Identifiers: Orphanet 140162, MedGen C0027672, MeSH D009386, MONDO:0015356.

Submission:

Ambry Genetics
Classification: Uncertain significance for Hereditary cancer-predisposing syndrome. Last evaluated: 2026-01-13. Review status: criteria provided, single submitter. Criteria: Ambry Variant Classification Scheme 2023. Collection method: clinical testing. Allele origin: germline.
Comment: The p.S461R variant (also known as c.1383C>A), located in coding exon 13 of the FANCC gene, results from a C to A substitution at nucleotide position 1383. The serine at codon 461 is replaced by arginine, an amino acid with dissimilar properties. This amino acid position is conserved. In addition, this alteration is predicted to be tolerated by in silico analysis. Based on the available evidence, the clinical significance of this variant remains unclear.

NM_000136.3(FANCC):c.1383C>A (p.Ser461Arg)

Genes: AOPEP (aminopeptidase O (putative); plus strand), FANCC (FA complementation group C; minus strand). Cytogenetic location: 9q22.32.
Variant type: single nucleotide variant.
Coding change: c.1383C>A on transcript NM_000136.3 (MANE Select); coding-DNA position 1383, C replaced by A.
Protein change: p.Ser461Arg; replaces serine 461 with arginine.
Molecular consequence: missense variant.
Genome position (GRCh38, 1-based): chr9:95,107,216, G>T on the plus strand (C>A on the coding strand, the complement: FANCC is on the minus strand). VCF-style: chr9-95107216-G-T. GRCh37 (hg19) VCF-style: chr9-97869498-G-T.
Other names: c.1383C>A, p.Ser461Arg (NM_001243743.2); short protein forms S461R.
Identifiers: ClinVar variation 4842791 (VCV004842791.1).